The following is an entry in ClinVar:

ClinVar aggregate classification (germline): Conflicting classifications of pathogenicity. Review status: criteria provided, conflicting classifications (1 of 4 stars). 2 submissions from 2 submitters: Uncertain significance (1); Likely benign (1). Last evaluated 2023-03-23.

Conditions:
Hereditary cancer-predisposing syndrome. Also called: Hereditary neoplastic syndrome; Neoplastic Syndromes, Hereditary; Hereditary Cancer Syndrome; Tumor predisposition. Identifiers: Orphanet 140162, MedGen C0027672, MeSH D009386, MONDO:0015356.
Hereditary breast ovarian cancer syndrome. Also called: BRCA1- and BRCA2-Associated Hereditary Breast and Ovarian Cancer; Hereditary breast and ovarian cancer syndrome (HBOC); Hereditary breast and/or ovarian cancer syndrome; Hereditary breast and ovarian cancer syndrome; Hereditary breast and ovarian cancer; Breast and ovarian cancer. Identifiers: Orphanet 145, MedGen C0677776, MeSH D061325, MONDO:0003582. Disease mechanism: loss of function.

Submissions (2):

University of Washington Department of Laboratory Medicine, University of Washington
Classification: Likely benign for Hereditary cancer-predisposing syndrome. Last evaluated: 2023-03-23. Review status: criteria provided, single submitter. Criteria: Dines et al. (Genet Med. 2020). Collection method: curation. Allele origin: germline.
Comment: Missense variant in a coldspot region where missense variants are very unlikely to be pathogenic (PMID:31911673).

BRCA2 exon 11 coldspot. Reclassification based on statistical prior probability.

Labcorp Genetics (formerly Invitae), Labcorp
Classification: Uncertain significance for Hereditary breast ovarian cancer syndrome. Last evaluated: 2022-09-23. Review status: criteria provided, single submitter. Criteria: Invitae Variant Classification Sherloc (09022015). Collection method: clinical testing. Allele origin: germline.
Comment: In summary, the available evidence is currently insufficient to determine the role of this variant in disease. Therefore, it has been classified as a Variant of Uncertain Significance. This sequence change replaces lysine, which is basic and polar, with glutamic acid, which is acidic and polar, at codon 945 of the BRCA2 protein (p.Lys945Glu). This variant is not present in population databases (gnomAD no frequency). This variant has not been reported in the literature in individuals affected with BRCA2-related conditions. Advanced modeling of protein sequence and biophysical properties (such as structural, functional, and spatial information, amino acid conservation, physicochemical variation, residue mobility, and thermodynamic stability) performed at Invitae indicates that this missense variant is not expected to disrupt BRCA2 protein function.

NM_000059.4(BRCA2):c.2833A>G (p.Lys945Glu)

Gene: BRCA2 (BRCA2 DNA repair associated; plus strand). Cytogenetic location: 13q13.1.
Variant type: single nucleotide variant.
Coding change: c.2833A>G on transcript NM_000059.4 (MANE Select); coding-DNA position 2833, A replaced by G.
Protein change: p.Lys945Glu; replaces lysine 945 with glutamic acid.
Molecular consequence: missense variant.
Genome position (GRCh38, 1-based): chr13:32,337,188, A>G. VCF-style: chr13-32337188-A-G. GRCh37 (hg19) VCF-style: chr13-32911325-A-G.
Other names: c.2833A>G, p.Lys945Glu (NM_001406719.1, NM_001406720.1); short protein forms K945E.
Identifiers: ClinVar variation 1720116 (VCV001720116.7), dbSNP rs2072466023, ClinGen allele CA387773849.